The following is an entry in ClinVar:

NM_004336.5(BUB1):c.2213T>G (p.Val738Gly)

Gene: BUB1 (BUB1 mitotic checkpoint serine/threonine kinase; minus strand). Cytogenetic location: 2q13.
Variant type: single nucleotide variant.
Coding change: c.2213T>G on transcript NM_004336.5 (MANE Select); coding-DNA position 2213, T replaced by G.
Protein change: p.Val738Gly; replaces valine 738 with glycine.
Molecular consequence: missense variant.
Genome position (GRCh38, 1-based): chr2:110,649,368, A>C on the plus strand (T>G on the coding strand, the complement: BUB1 is on the minus strand). VCF-style: chr2-110649368-A-C. GRCh37 (hg19) VCF-style: chr2-111406945-A-C.
Other names: c.2153T>G, p.Val718Gly (NM_001278616.2); c.2213T>G, p.Val738Gly (NM_001278617.2); short protein forms V718G, V738G.
Identifiers: ClinVar variation 1787807 (VCV001787807.2), dbSNP rs770523067, ClinGen allele CA348209645.
Genomic context (GRCh38, chr2:110,649,368, plus strand): 5'-ACTGGTTTAGAAAGCCCAGATAAAAGTTTGAAAATCAGCTTATCATCCCATGGGTTCCCA[A>C]CAATGAAGTCTTAAAGGAATGAGAAAAAAAAAAAAAAAGGGAACATGAATTGAGTACTCA-3'
Protein context (NP_004327.1, residues 728-748): LGTVDAPNFI[Val738Gly]GNPWDDKLIF

ClinVar aggregate classification (germline): Uncertain significance (1 of 4 stars; one submission).

Submission:

Ambry Genetics
Classification: Uncertain significance. Last evaluated: 2021-10-26. Review status: criteria provided, single submitter. Criteria: Ambry Variant Classification Scheme 2023. Collection method: clinical testing. Allele origin: germline.
Comment: The p.V738G variant (also known as c.2213T>G), located in coding exon 19 of the BUB1 gene, results from a T to G substitution at nucleotide position 2213. The valine at codon 738 is replaced by glycine, an amino acid with dissimilar properties. This amino acid position is conserved. In addition, this alteration is predicted to be tolerated by in silico analysis. Since supporting evidence is limited at this time, the clinical significance of this alteration remains unclear.